The following is an entry in ClinVar:

NM_000379.4(XDH):c.1418_1424dup (p.Lys476fs)

Gene: XDH (xanthine dehydrogenase; minus strand). Cytogenetic location: 2p23.1.
Variant type: Duplication.
Coding change: c.1418_1424dup on transcript NM_000379.4 (MANE Select); coding-DNA positions 1418 to 1424, 7 bases duplicated (AGCTTTC; older notation c.1418_1424dupAGCTTTC).
Protein change: p.Lys476fs; shifts the reading frame from lysine 476.
Molecular consequence: frameshift variant.
Genome position (GRCh38, 1-based): chr2:31,377,056-31,377,062, GAAAGCT duplicated on the plus strand (AGCTTTC on the coding strand, the reverse complement: XDH is on the minus strand); duplicating any 7 consecutive bases within chr2:31,377,056-31,377,063 gives the same sequence; the c. name uses the placement nearest the transcript's 3' end. VCF-style (leftmost placement, unchanged base first): chr2-31377055-G-GGAAAGCT. GRCh37 (hg19) VCF-style: chr2-31599921-G-GGAAAGCT.
Other names: short protein forms K476fs.
Identifiers: ClinVar variation 4728699 (VCV004728699.1).

ClinVar aggregate classification (germline): Pathogenic (1 of 4 stars; one submission).

Conditions:
Xanthinuria type II. Also called: Xanthine dehydrogenase and aldehyde oxidase combined deficiency of; XDH and AOX dual deficiency. Identifiers: Orphanet 3467, Orphanet 93602, MedGen C1863688, MONDO:0011346, OMIM 603592.

Submission:

Labcorp Genetics (formerly Invitae), Labcorp
Classification: Pathogenic for Xanthinuria type II. Last evaluated: 2025-10-08. Review status: criteria provided, single submitter. Criteria: Invitae Variant Classification Sherloc (09022015). Collection method: clinical testing. Allele origin: germline.
Comment: This sequence change creates a premature translational stop signal (p.Lys476Alafs*65) in the XDH gene. It is expected to result in an absent or disrupted protein product. Loss-of-function variants in XDH are known to be pathogenic (PMID: 9153281). This variant is not present in population databases (gnomAD no frequency). This variant has not been reported in the literature in individuals affected with XDH-related conditions. For these reasons, this variant has been classified as Pathogenic.

Literature cited by the submitters: PubMed 9153281.